The following is an entry in ClinVar:

ClinVar aggregate classification (germline): Likely benign (0 of 4 stars; one submission).

Conditions:
ZIC2-related disorder. Also called: ZIC2-related condition.

Submission:

PreventionGenetics, part of Exact Sciences
Classification: Likely benign for ZIC2-related condition. Last evaluated: 2024-02-27. Review status: no assertion criteria provided. Collection method: clinical testing. Allele origin: germline.
Comment: This variant is classified as likely benign based on ACMG/AMP sequence variant interpretation guidelines (Richards et al. 2015 PMID: 25741868, with internal and published modifications).

NM_007129.5(ZIC2):c.630C>G (p.Leu210=)

Gene: ZIC2 (Zic family member 2; plus strand). Cytogenetic location: 13q32.3.
Variant type: single nucleotide variant.
Coding change: c.630C>G on transcript NM_007129.5 (MANE Select); coding-DNA position 630, C replaced by G.
Protein change: p.Leu210=; no amino-acid change (leucine 210 retained).
Molecular consequence: synonymous variant.
Genome position (GRCh38, 1-based): chr13:99,982,694, C>G. VCF-style: chr13-99982694-C-G. GRCh37 (hg19) VCF-style: chr13-100634948-C-G.
Identifiers: ClinVar variation 3061322 (VCV003061322.2), dbSNP rs2501544029, ClinGen allele CA484759621.